The following is an entry in ClinVar:

NC_012920.1(MT-CYB):m.14871T>C

Gene: MT-CYB (mitochondrially encoded cytochrome b; plus strand).
Variant type: single nucleotide variant.
Genome position: chrM-14871-T-C.
Identifiers: ClinVar variation 693781 (VCV000693781.1), dbSNP rs28660155, ClinGen allele CA337100181.

ClinVar aggregate classification (germline): Likely benign (1 of 4 stars; one submission).

Conditions:
Leigh syndrome (NULS). Also called: Leigh's necrotizing encephalopathy; Leigh's disease; Leigh's syndrome; LEIGH SYNDROME, NUCLEAR; Leigh Syndrome (mtDNA deletion); Leigh Disease. Identifiers: Orphanet 506, MedGen C2931891, MONDO:0009723, OMIM 256000.

Submission:

Wong Mito Lab, Molecular and Human Genetics, Baylor College of Medicine
Classification: Likely benign for Leigh syndrome. Last evaluated: 2019-10-17. Review status: criteria provided, single submitter. Criteria: Modified ACMG Guidelines (Unpublished). Collection method: clinical testing. Allele origin: germline.
Comment: The NC_012920.1:m.14871T>C (YP_003024038.1:p.Ile42Thr) variant in MTCYB gene is interpretated to be a Likely Benign variant based on the modified ACMG guidelines (unpublished). This variant meets the following evidence codes: BS1, BP4